The following is an entry in ClinVar:

NM_021020.5(LZTS1):c.559A>G (p.Thr187Ala)

Gene: LZTS1 (leucine zipper tumor suppressor 1; minus strand). Cytogenetic location: 8p21.3.
Variant type: single nucleotide variant.
Coding change: c.559A>G on transcript NM_021020.5 (MANE Select); coding-DNA position 559, A replaced by G.
Protein change: p.Thr187Ala; replaces threonine 187 with alanine.
Molecular consequence: missense variant.
Genome position (GRCh38, 1-based): chr8:20,253,372, T>C on the plus strand (A>G on the coding strand, the complement: LZTS1 is on the minus strand). VCF-style: chr8-20253372-T-C. GRCh37 (hg19) VCF-style: chr8-20110883-T-C.
Other names: c.559A>G, p.Thr187Ala (NM_001362884.2); short protein forms T187A.
Identifiers: ClinVar variation 2896921 (VCV002896921.3), dbSNP rs150696090, ClinGen allele CA173399458.

ClinVar aggregate classification (germline): Uncertain significance (1 of 4 stars; one submission).

Allele frequency attached by ClinVar (database versions not stated): gnomAD exomes below 0.00001; TOPMed below 0.00001; gnomAD 0.00001; ESP Exome Variant Server 0.00008.
gnomAD v4.1: 4 of 1,613,282 alleles (0.00025%); highest among the groups gnomAD compares: Non-Finnish European, 0.00034%; no homozygotes.

Submission:

Labcorp Genetics (formerly Invitae), Labcorp
Classification: Uncertain significance. Last evaluated: 2024-05-21. Review status: criteria provided, single submitter. Criteria: Invitae Variant Classification Sherloc (09022015). Collection method: clinical testing. Allele origin: germline.
Comment: This sequence change replaces threonine, which is neutral and polar, with alanine, which is neutral and non-polar, at codon 187 of the LZTS1 protein (p.Thr187Ala). This variant is present in population databases (rs150696090, gnomAD 0.0009%). This variant has not been reported in the literature in individuals affected with LZTS1-related conditions. Advanced modeling of protein sequence and biophysical properties (such as structural, functional, and spatial information, amino acid conservation, physicochemical variation, residue mobility, and thermodynamic stability) performed at Invitae indicates that this missense variant is not expected to disrupt LZTS1 protein function with a negative predictive value of 80%. In summary, the available evidence is currently insufficient to determine the role of this variant in disease. Therefore, it has been classified as a Variant of Uncertain Significance.